The following is an entry in ClinVar:

ClinVar aggregate classification (germline): Uncertain significance (1 of 4 stars; one submission).

Conditions:
Parathyroid carcinoma (PRTC). Also called: Parathyroid gland carcinoma; CDC73-Related Parathyroid Carcinoma. Identifiers: Orphanet 143, MedGen C0687150, MONDO:0012004, OMIM 608266, HP:0006780.

Submission:

Labcorp Genetics (formerly Invitae), Labcorp
Classification: Uncertain significance for Parathyroid carcinoma. Last evaluated: 2024-01-02. Review status: criteria provided, single submitter. Criteria: Invitae Variant Classification Sherloc (09022015). Collection method: clinical testing. Allele origin: unknown.
Comment: This variant results in a copy number gain of the genomic region encompassing exon(s) 7-17 of the CDC73 gene. This region includes the termination codon of the gene. This copy number gain extends beyond the assayed region for this gene and therefore may encompass additional genes. As the precise location of this event is unknown, it may be in tandem or it may be located elsewhere in the genome. This variant has not been reported in the literature in individuals affected with CDC73-related conditions. Experimental studies and prediction algorithms are not available or were not evaluated, and the functional significance of this variant is currently unknown. In summary, the available evidence is currently insufficient to determine the role of this variant in disease. Therefore, it has been classified as a Variant of Uncertain Significance.

NC_000001.10:g.(?_193110960)_(193219842_?)dup

Genes: B3GALT2 (beta-1,3-galactosyltransferase 2; minus strand), CDC73 (cell division cycle 73; plus strand). Cytogenetic location: 1q31.2.
Variant type: Duplication.
Identifiers: ClinVar variation 3247707 (VCV003247707.1).